The following is an entry in ClinVar:

NM_032634.4(PIGO):c.1094C>T (p.Ser365Leu)

Gene: PIGO (phosphatidylinositol glycan anchor biosynthesis class O; minus strand). Cytogenetic location: 9p13.3.
Variant type: single nucleotide variant.
Coding change: c.1094C>T on transcript NM_032634.4 (MANE Select); coding-DNA position 1094, C replaced by T.
Protein change: p.Ser365Leu; replaces serine 365 with leucine.
Molecular consequence: missense variant.
Genome position (GRCh38, 1-based): chr9:35,093,055, G>A on the plus strand (C>T on the coding strand, the complement: PIGO is on the minus strand). VCF-style: chr9-35093055-G-A. GRCh37 (hg19) VCF-style: chr9-35093052-G-A.
Other names: c.1094C>T, p.Ser365Leu (NM_001201484.2, NM_152850.4); short protein forms S365L.
Identifiers: ClinVar variation 643834 (VCV000643834.8), dbSNP rs1262476458, ClinGen allele CA373322832.

ClinVar aggregate classification (germline): Uncertain significance (1 of 4 stars; one submission).

Conditions:
Hyperphosphatasia with impaired intellectual development syndrome 2. Also called: Hyperphosphatasia with intellectual disability syndrome 2; GLYCOSYLPHOSPHATIDYLINOSITOL BIOSYNTHESIS DEFECT 6. Identifiers: Orphanet 247262, MedGen C3553637, MONDO:0013882, OMIM 614749.

Allele frequency attached by ClinVar (database versions not stated): gnomAD exomes below 0.00001.
gnomAD v4.1: 2 of 1,611,808 alleles (0.00012%); highest among the groups gnomAD compares: Non-Finnish European, 0.00017%; no homozygotes.

Submission:

Labcorp Genetics (formerly Invitae), Labcorp
Classification: Uncertain significance for Hyperphosphatasia with impaired intellectual development syndrome 2. Last evaluated: 2018-12-05. Review status: criteria provided, single submitter. Criteria: Invitae Variant Classification Sherloc (09022015). Collection method: clinical testing. Allele origin: germline.
Comment: This sequence change replaces serine with leucine at codon 365 of the PIGO protein (p.Ser365Leu). The serine residue is moderately conserved and there is a large physicochemical difference between serine and leucine. This variant is not present in population databases (ExAC no frequency). This variant has not been reported in the literature in individuals with PIGO-related disease. Algorithms developed to predict the effect of missense changes on protein structure and function (SIFT, PolyPhen-2, Align-GVGD) all suggest that this variant is likely to be tolerated, but these predictions have not been confirmed by published functional studies and their clinical significance is uncertain. In summary, the available evidence is currently insufficient to determine the role of this variant in disease. Therefore, it has been classified as a Variant of Uncertain Significance.